The following is an entry in ClinVar:

ClinVar aggregate classification (germline): Uncertain significance (1 of 4 stars; one submission).

Allele frequency attached by ClinVar (database versions not stated): ExAC 0.00004.
gnomAD v4.1: 14 of 1,551,976 alleles (0.0009%); highest among the groups gnomAD compares: South Asian, 0.014%; no homozygotes.

Submission:

Labcorp Genetics (formerly Invitae), Labcorp
Classification: Uncertain significance. Last evaluated: 2022-06-22. Review status: criteria provided, single submitter. Criteria: Invitae Variant Classification Sherloc (09022015). Collection method: clinical testing. Allele origin: germline.
Comment: Variants that disrupt the consensus splice site are a relatively common cause of aberrant splicing (PMID: 17576681, 9536098). Algorithms developed to predict the effect of sequence changes on RNA splicing suggest that this variant may create or strengthen a splice site. In summary, the available evidence is currently insufficient to determine the role of this variant in disease. Therefore, it has been classified as a Variant of Uncertain Significance. This variant has not been reported in the literature in individuals affected with UNC80-related conditions. This variant is present in population databases (rs759668606, gnomAD 0.004%). This sequence change falls in intron 49 of the UNC80 gene. It does not directly change the encoded amino acid sequence of the UNC80 protein. It affects a nucleotide within the consensus splice site.

Literature cited by the submitters: PubMed 17576681; PubMed 9536098.

NM_001371986.1(UNC80):c.7586+5A>G

Gene: UNC80 (unc-80 homolog, NALCN channel complex subunit; plus strand). Cytogenetic location: 2q34.
Variant type: single nucleotide variant.
Coding change: c.7586+5A>G on transcript NM_001371986.1 (MANE Select); 5 bases into the intron after coding-DNA position 7586, A replaced by G.
Molecular consequence: intron variant.
Genome position (GRCh38, 1-based): chr2:209,959,159, A>G. VCF-style: chr2-209959159-A-G. GRCh37 (hg19) VCF-style: chr2-210823883-A-G.
Other names: c.7388+5A>G (NM_032504.2); c.7373+5A>G (NM_182587.4).
Identifiers: ClinVar variation 1389174 (VCV001389174.4), dbSNP rs759668606, ClinGen allele CA2083488.